The following is an entry in ClinVar:

NM_001814.6(CTSC):c.319-15C>T

Gene: CTSC (cathepsin C; minus strand). Cytogenetic location: 11q14.2.
Variant type: single nucleotide variant.
Coding change: c.319-15C>T on transcript NM_001814.6 (MANE Select); 15 bases into the intron before coding-DNA position 319, C replaced by T.
Molecular consequence: intron variant.
Genome position (GRCh38, 1-based): chr11:88,312,569, G>A on the plus strand (C>T on the coding strand, the complement: CTSC is on the minus strand). VCF-style: chr11-88312569-G-A. GRCh37 (hg19) VCF-style: chr11-88045737-G-A.
Other names: c.319-15C>T (LRG_50t1).
Identifiers: ClinVar variation 258190 (VCV000258190.18), dbSNP rs45539936, ClinGen allele CA6219982.

ClinVar aggregate classification (germline): Conflicting classifications of pathogenicity. Review status: criteria provided, conflicting classifications (1 of 4 stars). 5 submissions from 4 submitters: Uncertain significance (1); Benign (1); Likely benign (3). Last evaluated 2026-04-01.

Conditions:
Papillon-Lefèvre syndrome (PALS). Also called: KERATOSIS PALMOPLANTARIS WITH PERIODONTOPATHIA; Papillon-Lefevre Disease. Identifiers: Orphanet 678, MedGen C0030360, MONDO:0009490, OMIM 245000.
Periodontitis, aggressive. Identifiers: MedGen C0031106, MONDO:0980757.
Haim-Munk syndrome (HMS). Also called: COCHIN JEWISH DISORDER; KERATOSIS PALMOPLANTARIS WITH PERIODONTOPATHIA AND ONYCHOGRYPOSIS. Identifiers: Orphanet 2342, MedGen C1855627, MONDO:0009491, OMIM 245010.

Allele frequency attached by ClinVar (database versions not stated): 1000 Genomes Project 30x 0.00219; 1000 Genomes Project 0.00240; TOPMed 0.00502; gnomAD 0.00529 and 0.00539; ExAC 0.00541; gnomAD exomes 0.00556 and 0.00725; ESP Exome Variant Server 0.00569.
gnomAD v4.1: 11,326 of 1,613,786 alleles (0.7%); highest among the groups gnomAD compares: Non-Finnish European, 0.81%; 61 homozygotes.

Submissions (5):

CeGaT Center for Human Genetics Tuebingen
Classification: Likely benign. Last evaluated: 2026-04-01. Review status: criteria provided, single submitter. Criteria: CeGaT Center For Human Genetics Tuebingen Variant Classification Criteria Version 2. Collection method: clinical testing. Allele origin: germline. Affected: yes. Observed: 2 variant alleles.
Comment: CTSC: BS2

Labcorp Genetics (formerly Invitae), Labcorp
Classification: Benign for Haim-Munk syndrome; Periodontitis, aggressive; Papillon-Lefèvre syndrome. Last evaluated: 2026-02-04. Review status: criteria provided, single submitter. Criteria: Invitae Variant Classification Sherloc (09022015). Collection method: clinical testing. Allele origin: germline.

Illumina Laboratory Services, Illumina
Classification: Uncertain significance for Papillon-Lefèvre syndrome. Last evaluated: 2017-04-27. Review status: criteria provided, single submitter. Criteria: ICSL Variant Classification Criteria 13 December 2019. Collection method: clinical testing. Allele origin: germline.

Illumina Laboratory Services, Illumina
Classification: Likely benign for Haim-Munk syndrome. Last evaluated: 2017-04-27. Review status: criteria provided, single submitter. Criteria: ICSL Variant Classification Criteria 13 December 2019. Collection method: clinical testing. Allele origin: germline.
Comment: This variant was observed as part of a predisposition screen in an ostensibly healthy population. A literature search was performed for the gene, cDNA change, and amino acid change (where applicable). No publications were found based on this search. Allele frequency data from public databases allowed determination this variant is unlikely to cause disease. Therefore, this variant is classified as likely benign.

PreventionGenetics, part of Exact Sciences
Classification: Likely benign. Review status: criteria provided, single submitter. Criteria: ACMG Guidelines, 2015. Collection method: clinical testing. Allele origin: germline.